The following is an entry in ClinVar:

NM_000038.6(APC):c.5850G>C (p.Lys1950Asn)

Gene: APC (APC regulator of Wnt signaling pathway; plus strand). Cytogenetic location: 5q22.2.
Variant type: single nucleotide variant.
Coding change: c.5850G>C on transcript NM_000038.6 (MANE Select); coding-DNA position 5850, G replaced by C.
Protein change: p.Lys1950Asn; replaces lysine 1950 with asparagine.
Molecular consequence: missense variant.
Genome position (GRCh38, 1-based): chr5:112,841,444, G>C. VCF-style: chr5-112841444-G-C. GRCh37 (hg19) VCF-style: chr5-112177141-G-C.
Other names: c.5850G>C, p.Lys1950Asn (NM_001127510.3, NM_001354895.2); c.5796G>C, p.Lys1932Asn (NM_001127511.3); c.5904G>C, p.Lys1968Asn (NM_001354896.2); c.5880G>C, p.Lys1960Asn (NM_001354897.2); c.5775G>C, p.Lys1925Asn (NM_001354898.2); c.5766G>C, p.Lys1922Asn (NM_001354899.2); c.5727G>C, p.Lys1909Asn (NM_001354900.2); c.5673G>C, p.Lys1891Asn (NM_001354901.2); and 5 more; short protein forms K1859N, K1891N, K1790N, K1849N, K1922N, K1932N, K1909N, K1968N.
Identifiers: ClinVar variation 862336 (VCV000862336.49), dbSNP rs1554087034, ClinGen allele CA16034127.

ClinVar aggregate classification (germline): Uncertain significance (1 of 4 stars; one submission).

Conditions:
Familial adenomatous polyposis 1 (FAP1). Also called: POLYPOSIS, ADENOMATOUS INTESTINAL; FAMILIAL ADENOMATOUS POLYPOSIS 1, ATTENUATED. Identifiers: MedGen C2713442, MONDO:0021056, OMIM 175100. Disease mechanism: loss of function.

Submission:

Labcorp Genetics (formerly Invitae), Labcorp
Classification: Uncertain significance for Familial adenomatous polyposis 1. Last evaluated: 2019-12-17. Review status: criteria provided, single submitter. Criteria: Invitae Variant Classification Sherloc (09022015). Collection method: clinical testing. Allele origin: germline.
Comment: In summary, the available evidence is currently insufficient to determine the role of this variant in disease. Therefore, it has been classified as a Variant of Uncertain Significance. Algorithms developed to predict the effect of missense changes on protein structure and function are either unavailable or do not agree on the potential impact of this missense change (SIFT: "Deleterious"; PolyPhen-2: "Probably Damaging"; Align-GVGD: "Class C0"). This variant has not been reported in the literature in individuals with APC-related conditions. This variant is not present in population databases (ExAC no frequency). This sequence change replaces lysine with asparagine at codon 1950 of the APC protein (p.Lys1950Asn). The lysine residue is highly conserved and there is a moderate physicochemical difference between lysine and asparagine.